The following is an entry in ClinVar:

ClinVar aggregate classification (germline): Uncertain significance (1 of 4 stars; one submission).

Conditions:
Neurofibromatosis, type 2 (SWNV). Also called: BILATERAL ACOUSTIC NEUROFIBROMATOSIS; NF2-Related Schwannomatosis; SCHWANNOMATOSIS, VESTIBULAR. Identifiers: Orphanet 637, MedGen C0027832, MONDO:0007039, OMIM 101000. Disease mechanism: loss of function.

Submission:

Labcorp Genetics (formerly Invitae), Labcorp
Classification: Uncertain significance for Neurofibromatosis, type 2. Last evaluated: 2025-04-10. Review status: criteria provided, single submitter. Criteria: Invitae Variant Classification Sherloc (09022015). Collection method: clinical testing. Allele origin: germline.
Comment: This sequence change replaces alanine, which is neutral and non-polar, with isoleucine, which is neutral and non-polar, at codon 105 of the NF2 protein (p.Ala105Ile). Information on the frequency of this variant in the gnomAD database is not available, as this variant may be reported differently in the database. This variant has not been reported in the literature in individuals affected with NF2-related conditions. An algorithm developed to predict the effect of missense changes on protein structure and function (PolyPhen-2) suggests that this variant is likely to be disruptive. In summary, the available evidence is currently insufficient to determine the role of this variant in disease. Therefore, it has been classified as a Variant of Uncertain Significance.

NM_000268.4(NF2):c.313_314delinsAT (p.Ala105Ile)

Gene: NF2 (NF2, moesin-ezrin-radixin like (MERLIN) tumor suppressor; plus strand). Cytogenetic location: 22q12.2.
Variant type: Indel.
Coding change: c.313_314delinsAT on transcript NM_000268.4 (MANE Select); coding-DNA positions 313 to 314, GC replaced by AT.
Protein change: p.Ala105Ile; replaces alanine 105 with isoleucine.
Molecular consequence: missense variant. On other transcripts: 5 prime UTR variant (1), intron variant (8).
Genome position (GRCh38, 1-based): chr22:29,639,162-29,639,163, GC replaced by AT. VCF-style: chr22-29639162-GC-AT. GRCh37 (hg19) VCF-style: chr22-30035151-GC-AT.
Other names: c.199_200delinsAT, p.Ala67Ile (NM_001407053.1, NM_001407056.1); c.187_188delinsAT, p.Ala63Ile (NM_001407055.1, NM_181828.3); c.313_314delinsAT, p.Ala105Ile (NM_001407057.1, NM_001407059.1, NM_001407060.1 and 5 more transcripts); c.-328_-327delinsAT (NM_001407065.1); c.82_83delinsAT, p.Ala28Ile (NM_001407067.1); c.240+2286_240+2287delinsAT (NM_001407058.1, NM_181829.3, NM_001407054.1 and 1 more transcripts); c.115-3040_115-3039delinsAT (NM_001407063.1, NM_181830.3, NM_001407064.1 and 1 more transcripts); short protein forms A105I, A63I, A28I, A67I.
Identifiers: ClinVar variation 4697501 (VCV004697501.1).